The following is an entry in ClinVar:

ClinVar aggregate classification (germline): Pathogenic (1 of 4 stars; one submission).

Conditions:
Xeroderma pigmentosum, group C (XPC). Also called: Xeroderma pigmentosum, complementation group C; XERODERMA PIGMENTOSUM III; XP, GROUP C; XPC-Related Xeroderma Pigmentosum. Identifiers: Orphanet 910, MedGen C2752147, MONDO:0010211, OMIM 278720.

Submission:

Myriad Genetics, Inc.
Classification: Pathogenic for Xeroderma pigmentosum, group C. Last evaluated: 2025-12-03. Review status: criteria provided, single submitter. Criteria: Myriad Autosomal Dominant, Autosomal Recessive and X-Linked Classification Criteria (2023). Collection method: clinical testing. Allele origin: unknown.
Comment: NM_004628.4(XPC):c.2544delG(W848*) is a nonsense variant classified as pathogenic in the context of xeroderma pigmentosum group C. W848* has been observed in a case with relevant disease (PMID: 18717677). Relevant functional assessments of this variant are not available in the literature. W848* has not been observed in referenced population frequency databases. In summary, NM_004628.4(XPC):c.2544delG(W848*) is a nonsense variant in a gene where loss of function is a known mechanism of disease, is predicted to disrupt protein function, and has been observed more frequently in cases with the relevant disease than in healthy populations. Please note: this variant was assessed in the context of healthy population screening.

Literature cited by the submitters: PubMed 18717677.

NM_004628.5(XPC):c.2544del (p.Asn847_Trp848insTer)

Gene: XPC (XPC complex subunit, DNA damage recognition and repair factor; minus strand). Cytogenetic location: 3p25.1.
Variant type: Deletion.
Coding change: c.2544del on transcript NM_004628.5 (MANE Select); coding-DNA position 2544, one base deleted (G; older notation c.2544delG).
Protein change: p.Asn847_Trp848insTer.
Molecular consequence: nonsense. On other transcripts: non-coding transcript variant (2).
Genome position (GRCh38, 1-based): chr3:14,147,350, C deleted on the plus strand (G on the coding strand, the reverse complement: XPC is on the minus strand); the first of 2 consecutive C bases (chr3:14,147,350-14,147,351); deleting either gives the same sequence. VCF-style (leftmost placement, unchanged base first): chr3-14147349-TC-T. GRCh37 (hg19) VCF-style: chr3-14188849-TC-T.
Other names: c.1965del, p.Asn654_Trp655insTer (NM_001354726.2); c.2538del, p.Asn845_Trp846insTer (NM_001354727.2); c.2526del, p.Asn841_Trp842insTer (NM_001354729.2); c.2298del, p.Asn765_Trp766insTer (NM_001354730.2).
Identifiers: ClinVar variation 5003269 (VCV005003269.1).